The following is an entry in ClinVar:

ClinVar aggregate classification (germline): Uncertain significance. Review status: reviewed by expert panel (3 of 4 stars). 5 submissions from 5 submitters: Uncertain significance (1). 4 of the submissions do not count toward it. Last evaluated 2025-01-30.

Conditions:
GUCY2D-related recessive retinopathy. Also called: Recessive GUCY2D retinopathy. Identifiers: MedGen CN305603, MONDO:0100453.
Cone-rod dystrophy 6 (CORD6). Also called: Cone dystrophy progressive; RETINAL CONE DYSTROPHY 2. Identifiers: Orphanet 1872, MedGen C1866293, MONDO:0011143, OMIM 601777.
Leber congenital amaurosis 1 (LCA1). Also called: AMAUROSIS CONGENITA OF LEBER I; Congenital absence of the rods and cones; Leber's congenital tapetoretinal degeneration; Leber's congenital tapetoretinal dysplasia; RETINAL BLINDNESS, CONGENITAL. Identifiers: Orphanet 65, MedGen C2931258, MONDO:0008764, OMIM 204000.

Allele frequency attached by ClinVar (database versions not stated): gnomAD 0.00001; TOPMed 0.00002.
gnomAD v4.1: 12 of 1,613,964 alleles (0.00074%); highest among the groups gnomAD compares: African/African-American, 0.0027%; no homozygotes.

Submissions (5):

ClinGen Leber Congenital Amaurosis/early Onset Retinal Dystrophy Variant Curation Expert Panel, ClinGen
Classification: Uncertain significance for GUCY2D-related recessive retinopathy. Last evaluated: 2025-01-30. Review status: reviewed by expert panel. Criteria: ClinGen LCAeoRD ACMG Specifications GUCY2D V1.0.0. Collection method: curation. Allele origin: germline. Inheritance: Autosomal recessive inheritance.
Comment: The NM_000180.4(GUCY2D):c.2620G>A (p.Glu874Lys) variant is predicted to replace the glutamine at position p.874 with lysine. This variant is present in gnomAD v4.1.0 at a total allele frequency of 0.000007435, with 12 alleles / 1613964 total alleles, which is lower than the ClinGen LCA/eoRD VCEP PM2_Supporting threshold of <0.0004 (PM2_Supporting). The computational predictor REVEL gives a score of 0.678, which is above the ClinGen LCA/eoRD VCEP threshold of ≥0.644 and predicts a damaging effect on RetGC-1 protein function (PP3). This variant is a missense substitution between amino acids 873 and 951, within the guanylate cyclase catalytic domain which exhibits intolerance to missense variation (PM1_Supporting, PMID: 31704230). However, the proband was not counted for PM3 because the other variant in trans (NM_000180.4(GUCY2D):c.238_252del (p.Ala80_Leu84del)) has not yet been curated so is classified as a VUS (total of 0.25 pts, 0.5 pts is required). In summary, this variant meets the criteria to be classified as a VUS for GUCY2D-related recessive retinopathy based on the ACMG/AMP criteria applied, as specified by the ClinGen LCA/eoRD VCEP: PM2_Supporting, PM1_Supporting, PP3. (VCEP specifications version 1.0.0; date of approval 01/22/2025).

Women's Health and Genetics/Laboratory Corporation of America, LabCorp
Classification: Uncertain significance. Last evaluated: 2024-05-31. Review status: criteria provided, single submitter. Criteria: LabCorp Variant Classification Summary - May 2015. Collection method: clinical testing. Allele origin: germline. Not counted in ClinVar's aggregate classification.
Comment: Variant summary: GUCY2D c.2620G>A (p.Glu874Lys) results in a conservative amino acid change located in the Adenylyl cyclase class-3/4/guanylyl cyclase domain (IPR001054) of the encoded protein sequence. Four of five in-silico tools predict a damaging effect of the variant on protein function. The variant was absent in 251468 control chromosomes. c.2620G>A has been reported in the literature in compound heterozygous individuals affected with Leber Congenital Amaurosis (Liu_2020, Maltese_2022). These data indicate that the variant may be associated with disease. To our knowledge, no experimental evidence demonstrating an impact on protein function has been reported. The following publications have been ascertained in the context of this evaluation (PMID: 32821499, 35836572, 36284460). ClinVar contains an entry for this variant (Variation ID: 423435). Based on the evidence outlined above, the variant was classified as VUS-possibly pathogenic.

Labcorp Genetics (formerly Invitae), Labcorp
Classification: Uncertain significance for Leber congenital amaurosis 1; Cone-rod dystrophy 6. Last evaluated: 2022-10-15. Review status: criteria provided, single submitter. Criteria: Invitae Variant Classification Sherloc (09022015). Collection method: clinical testing. Allele origin: germline. Not counted in ClinVar's aggregate classification.
Comment: This sequence change replaces glutamic acid, which is acidic and polar, with lysine, which is basic and polar, at codon 874 of the GUCY2D protein (p.Glu874Lys). This variant is not present in population databases (gnomAD no frequency). This missense change has been observed in individual(s) with GUCY2D-related conditions (PMID: 32821499). ClinVar contains an entry for this variant (Variation ID: 423435). Algorithms developed to predict the effect of missense changes on protein structure and function (SIFT, PolyPhen-2, Align-GVGD) all suggest that this variant is likely to be disruptive. In summary, the available evidence is currently insufficient to determine the role of this variant in disease. Therefore, it has been classified as a Variant of Uncertain Significance.

Mendelics
Classification: Uncertain significance. Last evaluated: 2022-05-04. Review status: criteria provided, single submitter. Criteria: Mendelics Assertion Criteria 2019. Collection method: clinical testing. Allele origin: germline. Not counted in ClinVar's aggregate classification.

GeneDx
Classification: Uncertain significance. Last evaluated: 2022-04-23. Review status: criteria provided, single submitter. Criteria: GeneDx Variant Classification Process June 2021. Collection method: clinical testing. Allele origin: germline. Affected: yes. Not counted in ClinVar's aggregate classification.
Comment: Not observed at significant frequency in large population cohorts (gnomAD); In silico analysis supports that this missense variant has a deleterious effect on protein structure/function; Identified in individuals with retinal dystrophy in published literature and referred for genetic testing at GeneDx who also harbored a second GUCY2D variant, although segregation information was not provided for all cases (Liu et al., 2020; Hahn et al., 2022); This variant is associated with the following publications: (PMID: 35314386, 32821499)

Literature cited by the submitters: PubMed 35836572 (cited by Women's Health and Genetics/Laboratory Corporation of America, LabCorp); PubMed 36284460 (cited by Women's Health and Genetics/Laboratory Corporation of America, LabCorp); PubMed 32821499 (cited by Women's Health and Genetics/Laboratory Corporation of America, LabCorp and Labcorp Genetics (formerly Invitae), Labcorp).

NM_000180.4(GUCY2D):c.2620G>A (p.Glu874Lys)

Gene: GUCY2D (guanylate cyclase 2D, retinal; plus strand). Cytogenetic location: 17p13.1.
Variant type: single nucleotide variant.
Coding change: c.2620G>A on transcript NM_000180.4 (MANE Select); coding-DNA position 2620, G replaced by A.
Protein change: p.Glu874Lys; replaces glutamic acid 874 with lysine.
Molecular consequence: missense variant.
Genome position (GRCh38, 1-based): chr17:8,014,902, G>A. VCF-style: chr17-8014902-G-A. GRCh37 (hg19) VCF-style: chr17-7918220-G-A.
Other names: NM_000180.4(GUCY2D):c.2620G>A; p.Glu874Lys; short protein forms E874K.
Identifiers: ClinVar variation 423435 (VCV000423435.13), dbSNP rs1001538483, ClinGen allele CA16620650.